The following is an entry in ClinVar:

ClinVar aggregate classification (germline): Uncertain significance (1 of 4 stars; one submission).

Conditions:
Autoimmune enteropathy and endocrinopathy - susceptibility to chronic infections syndrome. Also called: Immunodeficiency 31C, autosomal dominant; Immunodeficiency 31C. Identifiers: Orphanet 391487, MedGen C3279990, MONDO:0013599, OMIM 614162.
Mendelian susceptibility to mycobacterial diseases due to partial STAT1 deficiency. Also called: IMMUNODEFICIENCY 31A, MYCOBACTERIOSIS, AUTOSOMAL DOMINANT; STAT1 DEFICIENCY, AUTOSOMAL DOMINANT; Immunodeficiency 31a. Identifiers: Orphanet 319595, MedGen C4013950, MONDO:0013956, OMIM 614892.
Immunodeficiency 31B. Also called: STAT1 DEFICIENCY, AUTOSOMAL RECESSIVE; IMMUNODEFICIENCY 31B, MYCOBACTERIAL AND VIRAL INFECTIONS, AUTOSOMAL RECESSIVE. Identifiers: Orphanet 391311, MedGen C3151088, MONDO:0013427, OMIM 613796.

gnomAD v4.1: 42 of 1,607,890 alleles (0.0026%); highest among the groups gnomAD compares: Non-Finnish European, 0.0035%; no homozygotes.

Submission:

Labcorp Genetics (formerly Invitae), Labcorp
Classification: Uncertain significance for Mendelian susceptibility to mycobacterial diseases due to partial STAT1 deficiency; Immunodeficiency 31B; Autoimmune enteropathy and endocrinopathy - susceptibility to chronic infections syndrome. Last evaluated: 2025-07-31. Review status: criteria provided, single submitter. Criteria: Invitae Variant Classification Sherloc (09022015). Collection method: clinical testing. Allele origin: germline.
Comment: This sequence change falls in intron 20 of the STAT1 gene. It does not directly change the encoded amino acid sequence of the STAT1 protein. It affects a nucleotide within the consensus splice site. This variant is present in population databases (rs761726962, gnomAD 0.003%). This variant has not been reported in the literature in individuals affected with STAT1-related conditions. Variants that disrupt the consensus splice site are a relatively common cause of aberrant splicing (PMID: 17576681, 9536098). Algorithms developed to predict the effect of sequence changes on RNA splicing suggest that this variant is not likely to affect RNA splicing. In summary, the available evidence is currently insufficient to determine the role of this variant in disease. Therefore, it has been classified as a Variant of Uncertain Significance.

Literature cited by the submitters: PubMed 17576681; PubMed 9536098.

NM_007315.4(STAT1):c.1727+6G>A

Gene: STAT1 (signal transducer and activator of transcription 1; minus strand). Cytogenetic location: 2q32.2.
Variant type: single nucleotide variant.
Coding change: c.1727+6G>A on transcript NM_007315.4 (MANE Select); 6 bases into the intron after coding-DNA position 1727, G replaced by A.
Molecular consequence: intron variant.
Genome position (GRCh38, 1-based): chr2:190,979,766, C>T on the plus strand (G>A on the coding strand, the complement: STAT1 is on the minus strand). VCF-style: chr2-190979766-C-T. GRCh37 (hg19) VCF-style: chr2-191844492-C-T.
Other names: c.1727+6G>A (NM_001437284.1, NM_001384889.1, NM_001384886.1 and 1 more transcripts); c.1637+6G>A (NM_001384890.1); c.1628+6G>A (NM_001384883.1); c.1568+6G>A (NM_001384885.1); c.1634+6G>A (NM_001384887.1); c.1667+6G>A (NM_001384880.1); c.1697+6G>A (NM_001384888.1); c.1721+6G>A (NM_001384882.1); and 2 more.
Identifiers: ClinVar variation 4788760 (VCV004788760.1).